The following is an entry in ClinVar:

NM_006846.4(SPINK5):c.81+3T>C

Gene: SPINK5 (serine peptidase inhibitor Kazal type 5; plus strand). Cytogenetic location: 5q32.
Variant type: single nucleotide variant.
Coding change: c.81+3T>C on transcript NM_006846.4 (MANE Select); 3 bases into the intron after coding-DNA position 81, T replaced by C.
Molecular consequence: intron variant.
Genome position (GRCh38, 1-based): chr5:148,065,375, T>C. VCF-style: chr5-148065375-T-C. GRCh37 (hg19) VCF-style: chr5-147444938-T-C.
Other names: c.81+3T>C (NM_001127698.2, NM_001127699.2).
Identifiers: ClinVar variation 1023650 (VCV001023650.5), dbSNP rs745312199, ClinGen allele CA3495095.

ClinVar aggregate classification (germline): Uncertain significance (1 of 4 stars; one submission).

Conditions:
Ichthyosis linearis circumflexa. Identifiers: MedGen C0265962, MONDO:0043106, HP:0025810.

Allele frequency attached by ClinVar (database versions not stated): ExAC 0.00001; gnomAD exomes 0.00001; TOPMed 0.00003.

Submission:

Labcorp Genetics (formerly Invitae), Labcorp
Classification: Uncertain significance for Ichthyosis linearis circumflexa. Last evaluated: 2022-03-01. Review status: criteria provided, single submitter. Criteria: Invitae Variant Classification Sherloc (09022015). Collection method: clinical testing. Allele origin: germline.
Comment: In summary, the available evidence is currently insufficient to determine the role of this variant in disease. Therefore, it has been classified as a Variant of Uncertain Significance. Variants that disrupt the consensus splice site are a relatively common cause of aberrant splicing (PMID: 17576681, 9536098). Algorithms developed to predict the effect of sequence changes on RNA splicing suggest that this variant is not likely to affect RNA splicing. ClinVar contains an entry for this variant (Variation ID: 1023650). This variant has not been reported in the literature in individuals affected with SPINK5-related conditions. This variant is present in population databases (rs745312199, gnomAD 0.003%). This sequence change falls in intron 2 of the SPINK5 gene. It does not directly change the encoded amino acid sequence of the SPINK5 protein. It affects a nucleotide within the consensus splice site.

Literature cited by the submitters: PubMed 17576681; PubMed 9536098.